The following is an entry in ClinVar:

NM_000140.5(FECH):c.1249TTC[1] (p.Phe418del)

Gene: FECH (ferrochelatase; minus strand). Cytogenetic location: 18q21.31.
Variant type: Microsatellite.
Coding change: c.1249TTC[1] on transcript NM_000140.5 (MANE Select); one copy of the 3-base unit TTC starting at c.1249; the reference has two copies in a row; one copy, 3 bases deleted.
Protein change: p.Phe418del; deletes phenylalanine 418.
Genome position (GRCh38, 1-based): chr18:57,550,730-57,550,732, GAA deleted on the plus strand (TTC on the coding strand, the reverse complement: FECH is on the minus strand); deleting any 3 consecutive bases within chr18:57,550,730-57,550,736 gives the same sequence; the position shown is the placement nearest the transcript's 3' end. VCF-style (leftmost placement, unchanged base first): chr18-57550729-TGAA-T. GRCh37 (hg19) VCF-style: chr18-55217961-TGAA-T.
Other names: c.1267TTC[1], p.Phe424del (NM_001012515.4); c.1150TTC[1], p.Phe385del (NM_001371094.1); c.1033TTC[1], p.Phe346del (NM_001371095.1); c.1189TTC[1], p.Phe398del (NM_001374778.1); short protein forms F346del, F418del, F424del, F385del, F398del.
Identifiers: ClinVar variation 3723149 (VCV003723149.2).
Genomic context (GRCh38, chr18:57,550,729, plus strand): 5'-AGGTTGGGCATTTGCCTAACGCCACGGGGTCCACCGGCGGGGGTCACAGCTGCTGGCTGG[TGAA>T]GAAGGATTTAGTCTCCCTGCAGACAGGATTGACACAGAGCGGACAGCTCAGGGTCAGCTG-3'

ClinVar aggregate classification (germline): Uncertain significance (1 of 4 stars; one submission).

Submission:

Labcorp Genetics (formerly Invitae), Labcorp
Classification: Uncertain significance. Last evaluated: 2024-07-19. Review status: criteria provided, single submitter. Criteria: Invitae Variant Classification Sherloc (09022015). Collection method: clinical testing. Allele origin: germline.
Comment: This variant, c.1252_1254del, results in the deletion of 1 amino acid(s) of the FECH protein (p.Phe418del), but otherwise preserves the integrity of the reading frame. This variant is not present in population databases (gnomAD no frequency). This variant has been observed in individual(s) with clinical features of erythropoietic protoporphyria (PMID: 9585598). This variant is also known as del F417. Algorithms developed to predict the effect of variants on gene product structure and function are not available or were not evaluated for this variant. Experimental studies have shown that this variant affects FECH function (PMID: 9585598). In summary, the available evidence is currently insufficient to determine the role of this variant in disease. Therefore, it has been classified as a Variant of Uncertain Significance.

Literature cited by the submitters: PubMed 9585598.